The following is an entry in ClinVar:

NM_024734.4(CLMN):c.2783A>G (p.Tyr928Cys)

Gene: CLMN (calmin; minus strand). Cytogenetic location: 14q32.13.
Variant type: single nucleotide variant.
Coding change: c.2783A>G on transcript NM_024734.4 (MANE Select); coding-DNA position 2783, A replaced by G.
Protein change: p.Tyr928Cys; replaces tyrosine 928 with cysteine.
Molecular consequence: missense variant.
Genome position (GRCh38, 1-based): chr14:95,193,906, T>C on the plus strand (A>G on the coding strand, the complement: CLMN is on the minus strand). VCF-style: chr14-95193906-T-C. GRCh37 (hg19) VCF-style: chr14-95660243-T-C.
Other names: short protein forms Y928C.
Identifiers: ClinVar variation 3044504 (VCV003044504.2), dbSNP rs148831726, ClinGen allele CA7331847.

ClinVar aggregate classification (germline): Likely benign (0 of 4 stars; one submission).

Conditions:
CLMN-related disorder. Also called: CLMN-related condition.

Allele frequency attached by ClinVar (database versions not stated): 1000 Genomes Project 0.00080; 1000 Genomes Project 30x 0.00094; ExAC 0.00175; gnomAD 0.00229; TOPMed 0.00250; ESP Exome Variant Server 0.00377; gnomAD exomes 0.00406.
gnomAD v4.1: 6,311 of 1,613,880 alleles (0.39%); highest among the groups gnomAD compares: Non-Finnish European, 0.49%; 12 homozygotes.

Submission:

PreventionGenetics, part of Exact Sciences
Classification: Likely benign for CLMN-related condition. Last evaluated: 2022-12-15. Review status: no assertion criteria provided. Collection method: clinical testing. Allele origin: germline.
Comment: This variant is classified as likely benign based on ACMG/AMP sequence variant interpretation guidelines (Richards et al. 2015 PMID: 25741868, with internal and published modifications).